The following is an entry in ClinVar:

NM_001128148.3(TFRC):c.560T>C (p.Phe187Ser)

Gene: TFRC (transferrin receptor; minus strand). Cytogenetic location: 3q29.
Variant type: single nucleotide variant.
Coding change: c.560T>C on transcript NM_001128148.3 (MANE Select); coding-DNA position 560, T replaced by C.
Protein change: p.Phe187Ser; replaces phenylalanine 187 with serine.
Molecular consequence: missense variant. On other transcripts: 5 prime UTR variant (1).
Genome position (GRCh38, 1-based): chr3:196,072,027, A>G on the plus strand (T>C on the coding strand, the complement: TFRC is on the minus strand). VCF-style: chr3-196072027-A-G. GRCh37 (hg19) VCF-style: chr3-195798898-A-G.
Other names: c.317T>C, p.Phe106Ser (NM_001313965.2); c.-287T>C (NM_001313966.2); c.560T>C, p.Phe187Ser (NM_003234.4); short protein forms F106S, F187S.
Identifiers: ClinVar variation 1386435 (VCV001386435.6), dbSNP rs753727174, ClinGen allele CA2778278.
Genomic context (GRCh38, chr3:196,072,027, plus strand): 5'-CTTGTATAAAAATAAGTTTACCATCTTTCAACATACCTGTCTTTGACCTGAATCTTAACA[A>G]AATGTTGATCACGCCAGACTTTGCTGAGTTTAAATTCACGAAATTGATTTTCAACATACA-3'
Protein context (NP_001121620.1, residues 177-197): KLSKVWRDQH[Phe187Ser]VKIQVKDSAQ

ClinVar aggregate classification (germline): Uncertain significance (1 of 4 stars; one submission).

Allele frequency attached by ClinVar (database versions not stated): gnomAD exomes below 0.00001 and 0.00001; ExAC 0.00002.
gnomAD v4.1: 2 of 1,613,386 alleles (0.00012%); highest among the groups gnomAD compares: Non-Finnish European, 0.00017%; no homozygotes.

Submission:

Labcorp Genetics (formerly Invitae), Labcorp
Classification: Uncertain significance. Last evaluated: 2022-09-27. Review status: criteria provided, single submitter. Criteria: Invitae Variant Classification Sherloc (09022015). Collection method: clinical testing. Allele origin: germline.
Comment: In summary, the available evidence is currently insufficient to determine the role of this variant in disease. Therefore, it has been classified as a Variant of Uncertain Significance. Advanced modeling of protein sequence and biophysical properties (such as structural, functional, and spatial information, amino acid conservation, physicochemical variation, residue mobility, and thermodynamic stability) performed at Invitae indicates that this missense variant is not expected to disrupt TFRC protein function. ClinVar contains an entry for this variant (Variation ID: 1386435). This variant has not been reported in the literature in individuals affected with TFRC-related conditions. This variant is present in population databases (rs753727174, gnomAD 0.002%). This sequence change replaces phenylalanine, which is neutral and non-polar, with serine, which is neutral and polar, at codon 187 of the TFRC protein (p.Phe187Ser).